The following is an entry in ClinVar:

NM_005422.4(TECTA):c.4901T>C (p.Val1634Ala)

Genes: TECTA (tectorin alpha; plus strand), TBCEL-TECTA (TBCEL-TECTA readthrough; plus strand). Cytogenetic location: 11q23.3.
Variant type: single nucleotide variant.
Coding change: c.4901T>C on transcript NM_005422.4 (MANE Select); coding-DNA position 4901, T replaced by C.
Protein change: p.Val1634Ala; replaces valine 1634 with alanine.
Molecular consequence: missense variant.
Genome position (GRCh38, 1-based): chr11:121,160,346, T>C. VCF-style: chr11-121160346-T-C. GRCh37 (hg19) VCF-style: chr11-121031055-T-C.
Other names: short protein forms V1634A.
Identifiers: ClinVar variation 877779 (VCV000877779.5), dbSNP rs1367267771, ClinGen allele CA383029601.
Genomic context (GRCh38, chr11:121,160,346, plus strand): 5'-TGCAGAACAAAGTGTGCGGTCTCTGTGGCAACTTCAACGGGGACCTAACAGATGATTATG[T>C]GACCTTGCGAGGGAAGCCGGTGGTAAGCAGCGTGGTGCTGGCCCAGAGCTGGAAAACCAA-3'
Protein context (NP_005413.2, residues 1624-1644): NFNGDLTDDY[Val1634Ala]TLRGKPVVSS

ClinVar aggregate classification (germline): Uncertain significance. Review status: criteria provided, multiple submitters, no conflicts (2 of 4 stars). 3 submissions from 2 submitters: Uncertain significance (3). Last evaluated 2019-03-08.

Conditions:
Autosomal dominant nonsyndromic hearing loss 12. Also called: DEAFNESS, AUTOSOMAL DOMINANT 8. Identifiers: Orphanet 90635, MedGen C1832187, MONDO:0011102, OMIM 601543.
Autosomal recessive nonsyndromic hearing loss 21. Identifiers: Orphanet 90636, MedGen C1863655, MONDO:0011351, OMIM 603629.

gnomAD v4.1: 3 of 1,614,090 alleles (0.00019%); highest among the groups gnomAD compares: Non-Finnish European, 0.00025%; no homozygotes.

Submissions (3):

GeneDx
Classification: Uncertain significance. Last evaluated: 2019-03-08. Review status: criteria provided, single submitter. Criteria: GeneDx Variant Classification Process June 2021. Collection method: clinical testing. Allele origin: germline. Affected: yes.
Comment: In silico analysis, which includes protein predictors and evolutionary conservation, supports that this variant does not alter protein structure/function; Has not been previously published as pathogenic or benign to our knowledge

Illumina Laboratory Services, Illumina
Classification: Uncertain significance for Autosomal recessive nonsyndromic hearing loss 21. Last evaluated: 2018-01-13. Review status: criteria provided, single submitter. Criteria: ICSL Variant Classification Criteria 13 December 2019. Collection method: clinical testing. Allele origin: germline.

Illumina Laboratory Services, Illumina
Classification: Uncertain significance for Autosomal dominant nonsyndromic hearing loss 12. Last evaluated: 2018-01-13. Review status: criteria provided, single submitter. Criteria: ICSL Variant Classification Criteria 13 December 2019. Collection method: clinical testing. Allele origin: germline.